The following is an entry in ClinVar:

NM_024577.4(SH3TC2):c.964C>T (p.Pro322Ser)

Gene: SH3TC2 (SH3 domain and tetratricopeptide repeats 2; minus strand). Cytogenetic location: 5q32.
Variant type: single nucleotide variant.
Coding change: c.964C>T on transcript NM_024577.4 (MANE Select); coding-DNA position 964, C replaced by T.
Protein change: p.Pro322Ser; replaces proline 322 with serine.
Molecular consequence: missense variant.
Genome position (GRCh38, 1-based): chr5:149,038,332, G>A on the plus strand (C>T on the coding strand, the complement: SH3TC2 is on the minus strand). VCF-style: chr5-149038332-G-A. GRCh37 (hg19) VCF-style: chr5-148417895-G-A.
Other names: p.Pro322Ser; short protein forms P322S.
Identifiers: ClinVar variation 2682908 (VCV002682908.1), dbSNP rs2531787689, ClinGen allele CA361672419.

ClinVar aggregate classification (germline): Uncertain significance (1 of 4 stars; one submission).

Submission:

Mayo Clinic Laboratories, Mayo Clinic
Classification: Uncertain significance. Last evaluated: 2022-05-05. Review status: criteria provided, single submitter. Criteria: ACMG Guidelines, 2015. Collection method: clinical testing. Allele origin: germline. Observed: 1 variant allele.
Comment: PM2